The following is an entry in ClinVar:

NM_000020.3(ACVRL1):c.400del (p.Ala134fs)

Gene: ACVRL1 (activin A receptor like type 1; plus strand). Cytogenetic location: 12q13.13.
Variant type: Deletion.
Coding change: c.400del on transcript NM_000020.3 (MANE Select); coding-DNA position 400, one base deleted (G; older notation c.400delG).
Protein change: p.Ala134fs; shifts the reading frame from alanine 134.
Molecular consequence: frameshift variant.
Genome position (GRCh38, 1-based): chr12:51,913,645, G deleted; the last of 2 consecutive G bases (chr12:51,913,644-51,913,645); deleting either gives the same sequence. VCF-style (leftmost placement, unchanged base first): chr12-51913643-TG-T. GRCh37 (hg19) VCF-style: chr12-52307427-TG-T.
Other names: c.400del, p.Ala134fs (NM_001077401.2); c.400delG, p.Ala134Profs (NM_001406487.1, NM_001406488.1, NM_001406489.1); short protein forms A134fs.
Identifiers: ClinVar variation 1737003 (VCV001737003.2), dbSNP rs2540160601, ClinGen allele CA2580086447.

ClinVar aggregate classification (germline): Pathogenic (1 of 4 stars; one submission).

Conditions:
Cardiovascular phenotype. Identifiers: MedGen CN230736.

Submission:

Ambry Genetics
Classification: Pathogenic for Cardiovascular phenotype. Last evaluated: 2022-06-24. Review status: criteria provided, single submitter. Criteria: Ambry Variant Classification Scheme 2023. Collection method: clinical testing. Allele origin: germline.
Comment: The c.400delG pathogenic mutation, located in coding exon 3 of the ACVRL1 gene, results from a deletion of one nucleotide at nucleotide position 400, causing a translational frameshift with a predicted alternate stop codon (p.A134Pfs*31). This variant has been detected in a cohort with hereditary hemorrhagic telangiectasia (Klaus DJ et al. Hum Mutat, 1998;12:137). This variant is considered to be rare based on population cohorts in the Genome Aggregation Database (gnomAD). In addition to the clinical data presented in the literature, this alteration is expected to result in loss of function by premature protein truncation or nonsense-mediated mRNA decay. As such, this alteration is interpreted as a disease-causing mutation.

Literature cited by the submitters: PubMed 10694922.